The following is an entry in ClinVar:

NM_001324418.2(ADAM22):c.1827C>T (p.Gly609=)

Gene: ADAM22 (ADAM metallopeptidase domain 22; plus strand). Cytogenetic location: 7q21.12.
Variant type: single nucleotide variant.
Coding change: c.1827C>T on transcript NM_001324418.2 (MANE Select); coding-DNA position 1827, C replaced by T.
Protein change: p.Gly609=; no amino-acid change (glycine 609 retained).
Molecular consequence: synonymous variant.
Genome position (GRCh38, 1-based): chr7:88,155,926, C>T. VCF-style: chr7-88155926-C-T. GRCh37 (hg19) VCF-style: chr7-87785241-C-T.
Other names: c.1824C>T, p.Gly608= (NM_001324417.2, NM_001324419.2, NM_001391978.1 and 2 more transcripts); c.1827C>T, p.Gly609= (NM_001324420.2, NM_001324421.2, NM_001391976.1 and 6 more transcripts); c.1878C>T, p.Gly626= (NM_001391975.1, NM_001391980.1); c.1803C>T, p.Gly601= (NM_001391982.1).
Identifiers: ClinVar variation 769722 (VCV000769722.7), dbSNP rs150557148, ClinGen allele CA4330666.

ClinVar aggregate classification (germline): Benign. Review status: criteria provided, multiple submitters, no conflicts (2 of 4 stars). 3 submissions from 3 submitters: Benign (2). 1 of the submissions does not count toward it. Last evaluated 2019-12-31.

Conditions:
ADAM22-related disorder. Also called: ADAM22-related condition.

Allele frequency attached by ClinVar (database versions not stated): ESP Exome Variant Server 0.00059; gnomAD exomes 0.00176 and 0.00806; gnomAD 0.00397 and 0.00404; 1000 Genomes Project 0.00539; ExAC 0.00571; TOPMed 0.00593; 1000 Genomes Project 30x 0.00609.
gnomAD v4.1: 3,151 of 1,613,210 alleles (0.2%); highest among the groups gnomAD compares: Admixed American, 4.8%; 103 homozygotes.

Submissions (3):

Labcorp Genetics (formerly Invitae), Labcorp
Classification: Benign. Last evaluated: 2019-12-31. Review status: criteria provided, single submitter. Criteria: Invitae Variant Classification Sherloc (09022015). Collection method: clinical testing. Allele origin: germline.

Breakthrough Genomics
Classification: Benign. Review status: criteria provided, single submitter. Criteria: ACMG Guidelines, 2015. Collection method: not provided. Allele origin: germline. Inheritance: Autosomal recessive inheritance. Affected: yes.

PreventionGenetics, part of Exact Sciences
Classification: Benign for ADAM22-related condition. Last evaluated: 2024-07-01. Review status: no assertion criteria provided. Collection method: clinical testing. Allele origin: germline. Not counted in ClinVar's aggregate classification.
Comment: This variant is classified as benign based on ACMG/AMP sequence variant interpretation guidelines (Richards et al. 2015 PMID: 25741868, with internal and published modifications).